The following is an entry in ClinVar:

ClinVar aggregate classification (germline): Uncertain significance (1 of 4 stars; one submission).

Conditions:
Retinoblastoma (RB1). Also called: RETINOBLASTOMA, SOMATIC. Identifiers: Orphanet 790, MedGen C0035335, MeSH D012175, MONDO:0008380, OMIM 180200, HP:0009919. Disease mechanism: loss of function. Inheritance: Both sporadic and heritable forms are tested..

Allele frequency attached by ClinVar (database versions not stated): gnomAD exomes below 0.00001.
gnomAD v4.1: 1 of 1,604,796 alleles (0.000062%); no homozygotes.

Submission:

Labcorp Genetics (formerly Invitae), Labcorp
Classification: Uncertain significance for Retinoblastoma. Last evaluated: 2025-04-17. Review status: criteria provided, single submitter. Criteria: Invitae Variant Classification Sherloc (09022015). Collection method: clinical testing. Allele origin: germline.
Comment: This sequence change replaces aspartic acid, which is acidic and polar, with glutamic acid, which is acidic and polar, at codon 340 of the RB1 protein (p.Asp340Glu). This variant is not present in population databases (gnomAD no frequency). This variant has not been reported in the literature in individuals affected with RB1-related conditions. ClinVar contains an entry for this variant (Variation ID: 2107446). Invitae Evidence Modeling of protein sequence and biophysical properties (such as structural, functional, and spatial information, amino acid conservation, physicochemical variation, residue mobility, and thermodynamic stability) indicates that this missense variant is not expected to disrupt RB1 protein function with a negative predictive value of 80%. In summary, the available evidence is currently insufficient to determine the role of this variant in disease. Therefore, it has been classified as a Variant of Uncertain Significance.

NM_000321.3(RB1):c.1020T>A (p.Asp340Glu)

Gene: RB1 (RB transcriptional corepressor 1; plus strand). Cytogenetic location: 13q14.2.
Variant type: single nucleotide variant.
Coding change: c.1020T>A on transcript NM_000321.3 (MANE Select); coding-DNA position 1020, T replaced by A.
Protein change: p.Asp340Glu; replaces aspartic acid 340 with glutamic acid.
Molecular consequence: missense variant.
Genome position (GRCh38, 1-based): chr13:48,367,574, T>A. VCF-style: chr13-48367574-T-A. GRCh37 (hg19) VCF-style: chr13-48941710-T-A.
Other names: c.1020T>A, p.Asp340Glu (NM_001407165.1, NM_001407166.1); short protein forms D340E.
Identifiers: ClinVar variation 2107446 (VCV002107446.4), dbSNP rs2542188635, ClinGen allele CA388160845.